The following is an entry in ClinVar:

ClinVar aggregate classification (germline): Uncertain significance (1 of 4 stars; one submission).

Allele frequency attached by ClinVar (database versions not stated): gnomAD exomes below 0.00001; gnomAD 0.00001; TOPMed 0.00001.
gnomAD v4.1: 2 of 1,612,886 alleles (0.00012%); highest among the groups gnomAD compares: African/African-American, 0.0027%; no homozygotes.

Submission:

Labcorp Genetics (formerly Invitae), Labcorp
Classification: Uncertain significance. Last evaluated: 2023-10-13. Review status: criteria provided, single submitter. Criteria: Invitae Variant Classification Sherloc (09022015). Collection method: clinical testing. Allele origin: germline.
Comment: This sequence change replaces phenylalanine, which is neutral and non-polar, with serine, which is neutral and polar, at codon 913 of the IARS2 protein (p.Phe913Ser). This variant is not present in population databases (gnomAD no frequency). This variant has not been reported in the literature in individuals affected with IARS2-related conditions. ClinVar contains an entry for this variant (Variation ID: 1406549). An algorithm developed to predict the effect of missense changes on protein structure and function (PolyPhen-2) suggests that this variant is likely to be disruptive. In summary, the available evidence is currently insufficient to determine the role of this variant in disease. Therefore, it has been classified as a Variant of Uncertain Significance.

NM_018060.4(IARS2):c.2738T>C (p.Phe913Ser)

Gene: IARS2 (isoleucyl-tRNA synthetase 2, mitochondrial; plus strand). Cytogenetic location: 1q41.
Variant type: single nucleotide variant.
Coding change: c.2738T>C on transcript NM_018060.4 (MANE Select); coding-DNA position 2738, T replaced by C.
Protein change: p.Phe913Ser; replaces phenylalanine 913 with serine.
Molecular consequence: missense variant.
Genome position (GRCh38, 1-based): chr1:220,143,121, T>C. VCF-style: chr1-220143121-T-C. GRCh37 (hg19) VCF-style: chr1-220316463-T-C.
Other names: short protein forms F913S.
Identifiers: ClinVar variation 1406549 (VCV001406549.8), dbSNP rs1289191754, ClinGen allele CA344617858.
Genomic context (GRCh38, chr1:220,143,121, plus strand): 5'-TCCCTGGCAAAAATGCAGCTGAGTACAAGGTTATCACTGTGATAGAACCTGGACTGCTTT[T>C]TGAGATAATAGAGGTATGCAGCAATATGTACCTTTTGAAATGGTGTTAGTATCATAGAGC-3'
Protein context (NP_060530.3, residues 903-923): VITVIEPGLL[Phe913Ser]EIIEMLQSEE